The following is an entry in ClinVar:

ClinVar aggregate classification (germline): Uncertain significance. Review status: criteria provided, multiple submitters, no conflicts (2 of 4 stars). 2 submissions from 2 submitters: Uncertain significance (2). Last evaluated 2025-08-24.

Conditions:
Inborn genetic diseases. Identifiers: MedGen C0950123, MeSH D030342.

Allele frequency attached by ClinVar (database versions not stated): gnomAD exomes below 0.00001; TOPMed below 0.00001; ExAC 0.00002.
gnomAD v4.1: 4 of 1,601,360 alleles (0.00025%); highest among the groups gnomAD compares: Middle Eastern, 0.017%; no homozygotes.

Submissions (2):

Ambry Genetics
Classification: Uncertain significance for Inborn genetic diseases. Last evaluated: 2025-08-24. Review status: criteria provided, single submitter. Criteria: Ambry Variant Classification Scheme 2023. Collection method: clinical testing. Allele origin: germline.

Labcorp Genetics (formerly Invitae), Labcorp
Classification: Uncertain significance. Last evaluated: 2023-10-05. Review status: criteria provided, single submitter. Criteria: Invitae Variant Classification Sherloc (09022015). Collection method: clinical testing. Allele origin: germline.
Comment: This sequence change replaces isoleucine, which is neutral and non-polar, with threonine, which is neutral and polar, at codon 1130 of the COL4A2 protein (p.Ile1130Thr). This variant is present in population databases (rs765545175, gnomAD 0.006%). This variant has not been reported in the literature in individuals affected with COL4A2-related conditions. Advanced modeling of protein sequence and biophysical properties (such as structural, functional, and spatial information, amino acid conservation, physicochemical variation, residue mobility, and thermodynamic stability) performed at Invitae indicates that this missense variant is not expected to disrupt COL4A2 protein function. In summary, the available evidence is currently insufficient to determine the role of this variant in disease. Therefore, it has been classified as a Variant of Uncertain Significance.

NM_001846.4(COL4A2):c.3389T>C (p.Ile1130Thr)

Gene: COL4A2 (collagen type IV alpha 2 chain; plus strand). Cytogenetic location: 13q34.
Variant type: single nucleotide variant.
Coding change: c.3389T>C on transcript NM_001846.4 (MANE Select); coding-DNA position 3389, T replaced by C.
Protein change: p.Ile1130Thr; replaces isoleucine 1130 with threonine.
Molecular consequence: missense variant.
Genome position (GRCh38, 1-based): chr13:110,491,275, T>C. VCF-style: chr13-110491275-T-C. GRCh37 (hg19) VCF-style: chr13-111143622-T-C.
Other names: c.3389T>C (NM_001846.2); short protein forms I1130T.
Identifiers: ClinVar variation 2875301 (VCV002875301.4), dbSNP rs765545175, ClinGen allele CA7050200.
Genomic context (GRCh38, chr13:110,491,275, plus strand): 5'-GCATGTCTGTGGTTGCAGGTCTGAAGGGATTCTTTGGAGAGAAGGGAACAGAAGGTGACA[T>C]CGGCTTCCCTGGGATAACAGGCGTGACTGGAGTCCAAGGCCCTCCTGGACTTAAAGGACA-3'
Protein context (NP_001837.2, residues 1120-1140): FFGEKGTEGD[Ile1130Thr]GFPGITGVTG